The following is an entry in ClinVar:

ClinVar aggregate classification (germline): Likely benign (1 of 4 stars; one submission).

Allele frequency attached by ClinVar (database versions not stated): gnomAD exomes below 0.00001.

Submission:

CeGaT Center for Human Genetics Tuebingen
Classification: Likely benign. Last evaluated: 2022-10-01. Review status: criteria provided, single submitter. Criteria: CeGaT Center For Human Genetics Tuebingen Variant Classification Criteria Version 2. Collection method: clinical testing. Allele origin: germline. Affected: yes. Observed: 1 variant allele.
Comment: USP51: PM2:Supporting, BP4, BP7

NM_201286.4(USP51):c.180A>G (p.Pro60=)

Gene: USP51 (ubiquitin specific peptidase 51; minus strand). Cytogenetic location: Xp11.21.
Variant type: single nucleotide variant.
Coding change: c.180A>G on transcript NM_201286.4 (MANE Select); coding-DNA position 180, A replaced by G.
Protein change: p.Pro60=; no amino-acid change (proline 60 retained).
Molecular consequence: synonymous variant.
Genome position (GRCh38, 1-based): chrX:55,488,760, T>C on the plus strand (A>G on the coding strand, the complement: USP51 is on the minus strand). VCF-style: chrX-55488760-T-C. GRCh37 (hg19) VCF-style: chrX-55515193-T-C.
Identifiers: ClinVar variation 2660698 (VCV002660698.24), dbSNP rs2519368615, ClinGen allele CA516699386.